The following is an entry in ClinVar:

ClinVar aggregate classification (germline): Uncertain significance (1 of 4 stars; one submission).

Submission:

Women's Health and Genetics/Laboratory Corporation of America, LabCorp
Classification: Uncertain significance. Last evaluated: 2025-09-08. Review status: criteria provided, single submitter. Criteria: LabCorp Variant Classification Summary - May 2015. Collection method: clinical testing. Allele origin: germline.
Comment: Variant summary: HJV c.341T>A (p.Met114Lys) results in a non-conservative amino acid change in the encoded protein sequence. Algorithms developed to predict the effect of missense changes on protein structure and function are either unavailable or do not agree on the potential impact of this missense change. The variant was absent in 241162 control chromosomes (gnomAD). The available data on variant occurrences in the general population are insufficient to allow any conclusion about variant significance. To our knowledge, no occurrence of c.341T>A in individuals affected with HJV-related conditions and no experimental evidence demonstrating its impact on protein function have been reported. No submitters have cited clinical-significance assessments for this variant to ClinVar. Based on the evidence outlined above, the variant was classified as uncertain significance.

NM_213653.4(HJV):c.341T>A (p.Met114Lys)

Gene: HJV (hemojuvelin BMP co-receptor; minus strand). Cytogenetic location: 1q21.1.
Variant type: single nucleotide variant.
Coding change: c.341T>A on transcript NM_213653.4 (MANE Select); coding-DNA position 341, T replaced by A.
Protein change: p.Met114Lys; replaces methionine 114 with lysine.
Molecular consequence: missense variant. On other transcripts: intron variant (3), initiator codon variant (1).
Genome position (GRCh38, 1-based): chr1:146,019,491, A>T on the plus strand (T>A on the coding strand, the complement: HJV is on the minus strand). VCF-style: chr1-146019491-A-T. GRCh37 (hg19) VCF-style: chr1-145415522-T-A.
Other names: c.-21-791T>A (NM_213652.4); c.-22+207T>A (NM_202004.4, NM_001316767.2); c.341T>A, p.Met114Lys (NM_001379352.1); c.2T>A, p.Met1Lys (NM_145277.5); short protein forms M114K, M1K.
Identifiers: ClinVar variation 4535679 (VCV004535679.1).